The following is an entry in ClinVar:

ClinVar aggregate classification (germline): Likely benign. Review status: criteria provided, multiple submitters, no conflicts (2 of 4 stars). 2 submissions from 2 submitters: Likely benign (2). Last evaluated 2024-11-01.

Allele frequency attached by ClinVar (database versions not stated): gnomAD exomes 0.00023; ExAC 0.00026; 1000 Genomes Project 0.00100; 1000 Genomes Project 30x 0.00109; ESP Exome Variant Server 0.00110; gnomAD 0.00133; TOPMed 0.00160.
gnomAD v4.1: 547 of 1,537,242 alleles (0.036%); highest among the groups gnomAD compares: African/African-American, 0.5%; 5 homozygotes.

Submissions (2):

CeGaT Center for Human Genetics Tuebingen
Classification: Likely benign. Last evaluated: 2024-11-01. Review status: criteria provided, single submitter. Criteria: CeGaT Center For Human Genetics Tuebingen Variant Classification Criteria Version 2. Collection method: clinical testing. Allele origin: germline. Affected: yes. Observed: 2 variant alleles.
Comment: CFAP44: BP4, BP7

Blueprint Genetics
Classification: Likely benign. Last evaluated: 2024-10-08. Review status: criteria provided, single submitter. Criteria: ACMG Guidelines, 2015. Collection method: clinical testing. Allele origin: germline.

NM_001164496.2(CFAP44):c.5535A>G (p.Arg1845=)

Genes: CFAP44 (cilia and flagella associated protein 44; minus strand), SPICE1-CFAP44 (SPICE1-CFAP44 readthrough (NMD candidate); minus strand). Cytogenetic location: 3q13.2.
Variant type: single nucleotide variant.
Coding change: c.5535A>G on transcript NM_001164496.2 (MANE Select); coding-DNA position 5535, A replaced by G.
Protein change: p.Arg1845=; no amino-acid change (arginine 1845 retained).
Molecular consequence: synonymous variant. On other transcripts: non-coding transcript variant (6).
Genome position (GRCh38, 1-based): chr3:113,291,587, T>C on the plus strand (A>G on the coding strand, the complement: CFAP44 is on the minus strand). VCF-style: chr3-113291587-T-C. GRCh37 (hg19) VCF-style: chr3-113010434-T-C.
Identifiers: ClinVar variation 2654039 (VCV002654039.23), dbSNP rs186037743, ClinGen allele CA2543543.